The following is an entry in ClinVar:

ClinVar aggregate classification (germline): Conflicting classifications of pathogenicity. Review status: criteria provided, conflicting classifications (1 of 4 stars). 2 submissions from 2 submitters: Uncertain significance (1); Likely benign (1). Last evaluated 2025-02-03.

Conditions:
Inborn genetic diseases. Identifiers: MedGen C0950123, MeSH D030342.

Allele frequency attached by ClinVar (database versions not stated): gnomAD exomes below 0.00001; ExAC 0.00001; TOPMed 0.00001; gnomAD 0.00003 and 0.00004.
gnomAD v4.1: 11 of 1,612,976 alleles (0.00068%); highest among the groups gnomAD compares: Middle Eastern, 0.016%; no homozygotes.

Submissions (2):

Ambry Genetics
Classification: Likely benign for Inborn genetic diseases. Last evaluated: 2025-02-03. Review status: criteria provided, single submitter. Criteria: Ambry Variant Classification Scheme 2023. Collection method: clinical testing. Allele origin: germline.

Labcorp Genetics (formerly Invitae), Labcorp
Classification: Uncertain significance. Last evaluated: 2024-11-05. Review status: criteria provided, single submitter. Criteria: Invitae Variant Classification Sherloc (09022015). Collection method: clinical testing. Allele origin: germline.
Comment: This sequence change replaces glycine, which is neutral and non-polar, with glutamic acid, which is acidic and polar, at codon 485 of the RAI1 protein (p.Gly485Glu). This variant is present in population databases (rs201806644, gnomAD 0.008%). This variant has not been reported in the literature in individuals affected with RAI1-related conditions. ClinVar contains an entry for this variant (Variation ID: 1436839). Invitae Evidence Modeling of protein sequence and biophysical properties (such as structural, functional, and spatial information, amino acid conservation, physicochemical variation, residue mobility, and thermodynamic stability) indicates that this missense variant is not expected to disrupt RAI1 protein function with a negative predictive value of 80%. In summary, the available evidence is currently insufficient to determine the role of this variant in disease. Therefore, it has been classified as a Variant of Uncertain Significance.

NM_030665.4(RAI1):c.1454G>A (p.Gly485Glu)

Gene: RAI1 (retinoic acid induced 1; plus strand). Cytogenetic location: 17p11.2.
Variant type: single nucleotide variant.
Coding change: c.1454G>A on transcript NM_030665.4 (MANE Select); coding-DNA position 1454, G replaced by A.
Protein change: p.Gly485Glu; replaces glycine 485 with glutamic acid.
Molecular consequence: missense variant.
Genome position (GRCh38, 1-based): chr17:17,794,402, G>A. VCF-style: chr17-17794402-G-A. GRCh37 (hg19) VCF-style: chr17-17697716-G-A.
Other names: c.1454G>A (NM_030665.3); short protein forms G485E.
Identifiers: ClinVar variation 1436839 (VCV001436839.9), dbSNP rs201806644, ClinGen allele CA8418335.